The following is an entry in ClinVar:

NM_000138.5(FBN1):c.5272G>A (p.Asp1758Asn)

Gene: FBN1 (fibrillin 1; minus strand). Cytogenetic location: 15q21.1.
Variant type: single nucleotide variant.
Coding change: c.5272G>A on transcript NM_000138.5 (MANE Select); coding-DNA position 5272, G replaced by A.
Protein change: p.Asp1758Asn; replaces aspartic acid 1758 with asparagine.
Molecular consequence: missense variant.
Genome position (GRCh38, 1-based): chr15:48,460,270, C>T on the plus strand (G>A on the coding strand, the complement: FBN1 is on the minus strand). VCF-style: chr15-48460270-C-T. GRCh37 (hg19) VCF-style: chr15-48752467-C-T.
Other names: c.5272G>A, p.Asp1758Asn (NM_001406716.1); short protein forms D1758N.
Identifiers: ClinVar variation 2928628 (VCV002928628.5), dbSNP rs1414735771, ClinGen allele CA392348001.

ClinVar aggregate classification (germline): Conflicting classifications of pathogenicity. Review status: criteria provided, conflicting classifications (1 of 4 stars). 3 submissions from 3 submitters: Uncertain significance (2); Likely benign (1). Last evaluated 2025-04-07.

Conditions:
Marfan syndrome (MFS). Also called: MARFAN SYNDROME, TYPE I; Marfan syndrome type 1; Marfan's syndrome; Marfan syndrome, classic; FBN1-Related Marfan Syndrome. Identifiers: Orphanet 284963, Orphanet 558, MedGen C0024796, MONDO:0007947, OMIM 154700.
Familial thoracic aortic aneurysm and aortic dissection (TAAD). Also called: Thoracic aortic aneurysms and dissections. Identifiers: Orphanet 91387, MedGen C4707243, MONDO:0019625.

Allele frequency attached by ClinVar (database versions not stated): gnomAD exomes below 0.00001.
gnomAD v4.1: 6 of 1,613,540 alleles (0.00037%); highest among the groups gnomAD compares: Middle Eastern, 0.017%; no homozygotes.

Submissions (3):

Color Diagnostics, LLC DBA Color Health
Classification: Uncertain significance for Familial thoracic aortic aneurysm and aortic dissection. Last evaluated: 2025-04-07. Review status: criteria provided, single submitter. Criteria: ACMG Guidelines, 2015. Collection method: clinical testing. Allele origin: germline.
Comment: This missense variant replaces aspartic acid with asparagine at codon 1758 of the FBN1 protein. Computational prediction suggests that this variant may not impact protein structure and function (internally defined REVEL score threshold <= 0.5, PMID: 27666373). To our knowledge, functional studies have not been reported for this variant. This variant has not been reported in individuals affected with FBN1-related disorders in the literature. This variant has been identified in 1/250560 chromosomes in the general population by the Genome Aggregation Database (gnomAD). The available evidence is insufficient to determine the role of this variant in disease conclusively. Therefore, this variant is classified as a Variant of Uncertain Significance.

Labcorp Genetics (formerly Invitae), Labcorp
Classification: Likely benign for Marfan syndrome; Familial thoracic aortic aneurysm and aortic dissection. Last evaluated: 2024-04-17. Review status: criteria provided, single submitter. Criteria: Invitae Variant Classification Sherloc (09022015). Collection method: clinical testing. Allele origin: germline.

Blueprint Genetics
Classification: Uncertain significance. Last evaluated: 2024-01-19. Review status: criteria provided, single submitter. Criteria: ACMG Guidelines, 2015. Collection method: clinical testing. Allele origin: germline.